The following is an entry in ClinVar:

NM_001330700.2(TOP2B):c.3131T>A (p.Phe1044Tyr)

Gene: TOP2B (DNA topoisomerase II beta; minus strand). Cytogenetic location: 3p24.2.
Variant type: single nucleotide variant.
Coding change: c.3131T>A on transcript NM_001330700.2 (MANE Select); coding-DNA position 3131, T replaced by A.
Protein change: p.Phe1044Tyr; replaces phenylalanine 1044 with tyrosine.
Molecular consequence: missense variant.
Genome position (GRCh38, 1-based): chr3:25,618,782, A>T on the plus strand (T>A on the coding strand, the complement: TOP2B is on the minus strand). VCF-style: chr3-25618782-A-T. GRCh37 (hg19) VCF-style: chr3-25660273-A-T.
Other names: c.3116T>A, p.Phe1039Tyr (NM_001068.3); short protein forms F1044Y, F1039Y.
Identifiers: ClinVar variation 2091405 (VCV002091405.4), dbSNP rs2470323483, ClinGen allele CA351897395.

ClinVar aggregate classification (germline): Uncertain significance (1 of 4 stars; one submission).

Submission:

Labcorp Genetics (formerly Invitae), Labcorp
Classification: Uncertain significance. Last evaluated: 2025-03-27. Review status: criteria provided, single submitter. Criteria: Invitae Variant Classification Sherloc (09022015). Collection method: clinical testing. Allele origin: germline.
Comment: This sequence change replaces phenylalanine, which is neutral and non-polar, with tyrosine, which is neutral and polar, at codon 1039 of the TOP2B protein (p.Phe1039Tyr). This variant is not present in population databases (gnomAD no frequency). This variant has not been reported in the literature in individuals affected with TOP2B-related conditions. ClinVar contains an entry for this variant (Variation ID: 2091405). An algorithm developed to predict the effect of missense changes on protein structure and function (PolyPhen-2) suggests that this variant is likely to be tolerated. In summary, the available evidence is currently insufficient to determine the role of this variant in disease. Therefore, it has been classified as a Variant of Uncertain Significance.